The following is an entry in ClinVar:

ClinVar aggregate classification (germline): Pathogenic. Review status: criteria provided, single submitter (1 of 4 stars). 2 submissions from 2 submitters: Pathogenic (1). 1 of the submissions does not count toward it. Last evaluated 2025-06-17.

Conditions:
Hermansky-Pudlak syndrome 6 (HPS6). Identifiers: Orphanet 231512, Orphanet 79430, MedGen C3888007, MONDO:0013558, OMIM 614075.

Submissions (2):

Labcorp Genetics (formerly Invitae), Labcorp
Classification: Pathogenic. Last evaluated: 2025-06-17. Review status: criteria provided, single submitter. Criteria: Invitae Variant Classification Sherloc (09022015). Collection method: clinical testing. Allele origin: germline.
Comment: This sequence change creates a premature translational stop signal (p.Trp71Glyfs*158) in the HPS6 gene. While this is not anticipated to result in nonsense mediated decay, it is expected to disrupt the last 705 amino acid(s) of the HPS6 protein. This variant is not present in population databases (gnomAD no frequency). This premature translational stop signal has been observed in individual(s) with Hermansky‐Pudlak syndrome (PMID: 30387913). ClinVar contains an entry for this variant (Variation ID: 1050563). This variant disrupts a region of the HPS6 protein in which other variant(s) (p.Gln680*) have been determined to be pathogenic (PMID: 27225848, 29054114, 31141302). This suggests that this is a clinically significant region of the protein, and that variants that disrupt it are likely to be disease-causing. For these reasons, this variant has been classified as Pathogenic.

Department of Pathology and Laboratory Medicine, Sinai Health System
Classification: Likely pathogenic for Hermansky-Pudlak syndrome 6. Review status: no assertion criteria provided. Collection method: clinical testing. Allele origin: unknown. Affected: yes. Study: The Canadian Open Genetics Repository (COGR). Not counted in ClinVar's aggregate classification.
Comment: The HPS6 p.Trp71Glyfs*158 variant was not identified in the literature nor was it identified in dbSNP, ClinVar, Cosmic, LOVD 3.0 or in the following control databases: the 1000 Genomes Project, the NHLBI GO Exome Sequencing Project, the Exome Aggregation Consortium (August 8th 2016), or the Genome Aggregation Database (Feb 27, 2017). The c.206_210dup variant is predicted to cause a frameshift, which alters the protein's amino acid sequence beginning at codon 71 and leads to a premature stop codon at 158 amino acids downstream. This alteration is then predicted to result in a truncated or absent protein and loss of function. Loss of function variants of the HPS6 gene are an established mechanism of disease in Hermansky-Pudlak syndrome 6 and is the type of variant expected to cause the disorder when found in the homozygous or compound heterozygous state. In summary, based on the above information the clinical significance of this variant cannot be determined with certainty at this time although we would lean towards a more pathogenic role for this variant. This variant is classified as likely pathogenic.

Literature cited by the submitters: PubMed 30387913 (cited by Labcorp Genetics (formerly Invitae), Labcorp); PubMed 27225848 (cited by Labcorp Genetics (formerly Invitae), Labcorp); PubMed 29054114 (cited by Labcorp Genetics (formerly Invitae), Labcorp); PubMed 31141302 (cited by Labcorp Genetics (formerly Invitae), Labcorp).

NM_024747.6(HPS6):c.206_210dup (p.Trp71fs)

Genes: HPS6 (HPS6 biogenesis of lysosomal organelles complex 2 subunit 3; plus strand), LOC130004578 (ATAC-STARR-seq lymphoblastoid silent region 2738; plus strand). Cytogenetic location: 10q24.32.
Variant type: Duplication.
Coding change: c.206_210dup on transcript NM_024747.6 (MANE Select); coding-DNA positions 206 to 210, 5 bases duplicated (GGGCC; older notation c.206_210dupGGGCC).
Protein change: p.Trp71fs; shifts the reading frame from tryptophan 71.
Molecular consequence: frameshift variant.
Genome position (GRCh38, 1-based): chr10:102,065,680-102,065,684, GGGCC duplicated; duplicating any 5 consecutive bases within chr10:102,065,679-102,065,684 gives the same sequence; the c. name uses the placement nearest the transcript's 3' end. VCF-style (leftmost placement, unchanged base first): chr10-102065678-G-GCGGGC. GRCh37 (hg19) VCF-style: chr10-103825435-G-GCGGGC.
Other names: short protein forms W71fs.
Identifiers: ClinVar variation 1050563 (VCV001050563.3), dbSNP rs2136333791, ClinGen allele CA1139532378.